The following is an entry in ClinVar:

ClinVar aggregate classification (germline): Uncertain significance (1 of 4 stars; one submission).

Allele frequency attached by ClinVar (database versions not stated): TOPMed below 0.00001; gnomAD exomes 0.00001.
gnomAD v4.1: 3 of 1,614,146 alleles (0.00019%); highest among the groups gnomAD compares: African/African-American, 0.0013%; no homozygotes.

Submission:

CeGaT Center for Human Genetics Tuebingen
Classification: Uncertain significance. Last evaluated: 2023-04-01. Review status: criteria provided, single submitter. Criteria: CeGaT Center For Human Genetics Tuebingen Variant Classification Criteria Version 2. Collection method: clinical testing. Allele origin: germline. Affected: yes. Observed: 1 variant allele.
Comment: WNK1: PM2

NM_018979.4(WNK1):c.3770G>A (p.Arg1257Gln)

Gene: WNK1 (WNK lysine deficient protein kinase 1; plus strand). Cytogenetic location: 12p13.33.
Variant type: single nucleotide variant.
Coding change: c.3770G>A on transcript NM_018979.4 (MANE Select); coding-DNA position 3770, G replaced by A.
Protein change: p.Arg1257Gln; replaces arginine 1257 with glutamine.
Molecular consequence: missense variant.
Genome position (GRCh38, 1-based): chr12:884,169, G>A. VCF-style: chr12-884169-G-A. GRCh37 (hg19) VCF-style: chr12-993335-G-A.
Other names: c.4550G>A, p.Arg1517Gln (NM_001184985.2); c.3029G>A, p.Arg1010Gln (NM_014823.3); c.4526G>A, p.Arg1509Gln (NM_213655.5); short protein forms R1010Q, R1257Q, R1509Q, R1517Q.
Identifiers: ClinVar variation 2642567 (VCV002642567.24), dbSNP rs1056922971, ClinGen allele CA231478743.
Genomic context (GRCh38, chr12:884,169, plus strand): 5'-GTTTTTGACCAGGCATTCCTACCAGTTCTTTAACTCAAGTTGTTCATTCTGCGGGAAGGC[G>A]GTTTATAGTGAGTCCTGTGCCAGAAAGCCGATTACGAGAATCAAAAGTTTTCCCCAGTGA-3'
Protein context (NP_061852.3, residues 1247-1267): LTQVVHSAGR[Arg1257Gln]FIVSPVPESR